The following is an entry in ClinVar:

ClinVar aggregate classification (germline): Uncertain significance (1 of 4 stars; one submission).

Conditions:
CEP290-related disorder. Also called: CEP290-related disorders; CEP290-related condition. Identifiers: MedGen CN239314.

Submission:

PreventionGenetics, part of Exact Sciences
Classification: Uncertain significance for CEP290-related condition. Last evaluated: 2024-11-15. Review status: criteria provided, single submitter. Criteria: ACMG Guidelines, 2015. Collection method: clinical testing. Allele origin: germline.
Comment: The CEP290 c.3728A>G variant is predicted to result in the amino acid substitution p.Asp1243Gly. To our knowledge, this variant has not been reported in the literature or in a large population database (gnomAD), indicating this variant is rare. At this time, the clinical significance of this variant is uncertain due to the absence of conclusive functional and genetic evidence.

NM_025114.4(CEP290):c.3728A>G (p.Asp1243Gly)

Gene: CEP290 (centrosomal protein 290; minus strand). Cytogenetic location: 12q21.32.
Variant type: single nucleotide variant.
Coding change: c.3728A>G on transcript NM_025114.4 (MANE Select); coding-DNA position 3728, A replaced by G.
Protein change: p.Asp1243Gly; replaces aspartic acid 1243 with glycine.
Molecular consequence: missense variant.
Genome position (GRCh38, 1-based): chr12:88,089,333, T>C on the plus strand (A>G on the coding strand, the complement: CEP290 is on the minus strand). VCF-style: chr12-88089333-T-C. GRCh37 (hg19) VCF-style: chr12-88483110-T-C.
Other names: short protein forms D1243G.
Identifiers: ClinVar variation 4999170 (VCV004999170.1).